The following is an entry in ClinVar:

NM_017866.6(TMEM70):c.515A>G (p.His172Arg)

Gene: TMEM70 (transmembrane protein 70; plus strand). Cytogenetic location: 8q21.11.
Variant type: single nucleotide variant.
Coding change: c.515A>G on transcript NM_017866.6 (MANE Select); coding-DNA position 515, A replaced by G.
Protein change: p.His172Arg; replaces histidine 172 with arginine.
Molecular consequence: missense variant. On other transcripts: 3 prime UTR variant (1), non-coding transcript variant (1).
Genome position (GRCh38, 1-based): chr8:73,981,353, A>G. VCF-style: chr8-73981353-A-G. GRCh37 (hg19) VCF-style: chr8-74893588-A-G.
Other names: c.*205A>G (NM_001040613.3); c.515A>G (NM_017866.5); short protein forms H172R.
Identifiers: ClinVar variation 2072975 (VCV002072975.2), dbSNP rs371084319, ClinGen allele CA179294313.

ClinVar aggregate classification (germline): Uncertain significance. Review status: criteria provided, multiple submitters, no conflicts (2 of 4 stars). 2 submissions from 2 submitters: Uncertain significance (2). Last evaluated 2022-10-05.

Conditions:
Mitochondrial complex V (ATP synthase) deficiency, nuclear type 2. Also called: Nuclear-Encoded ATPase Deficiency, TMEM70-Related; ENCEPHALOCARDIOMYOPATHY, MITOCHONDRIAL, NEONATAL, DUE TO ATP SYNTHASE DEFICIENCY; MITOCHONDRIAL COMPLEX V (ATP SYNTHASE) DEFICIENCY, TMEM70 TYPE. Identifiers: Orphanet 1194, MedGen C3279699, MONDO:0013546, OMIM 614052.

Allele frequency attached by ClinVar (database versions not stated): gnomAD 0.00001; gnomAD exomes 0.00001.
gnomAD v4.1: 15 of 1,614,114 alleles (0.00093%); highest among the groups gnomAD compares: African/African-American, 0.004%; no homozygotes.

Submissions (2):

GeneDx
Classification: Uncertain significance. Last evaluated: 2022-10-05. Review status: criteria provided, single submitter. Criteria: GeneDx Variant Classification Process June 2021. Collection method: clinical testing. Allele origin: germline. Affected: yes.
Comment: Not observed at significant frequency in large population cohorts (gnomAD); In silico analysis supports that this missense variant has a deleterious effect on protein structure/function; Has not been previously published as pathogenic or benign to our knowledge

Labcorp Genetics (formerly Invitae), Labcorp
Classification: Uncertain significance for Mitochondrial complex V (ATP synthase) deficiency, nuclear type 2. Last evaluated: 2022-05-27. Review status: criteria provided, single submitter. Criteria: Invitae Variant Classification Sherloc (09022015). Collection method: clinical testing. Allele origin: germline.
Comment: This sequence change replaces histidine, which is basic and polar, with arginine, which is basic and polar, at codon 172 of the TMEM70 protein (p.His172Arg). This variant is present in population databases (no rsID available, gnomAD 0.007%). This variant has not been reported in the literature in individuals affected with TMEM70-related conditions. Algorithms developed to predict the effect of missense changes on protein structure and function are either unavailable or do not agree on the potential impact of this missense change (SIFT: "Deleterious"; PolyPhen-2: "Probably Damaging"; Align-GVGD: "Class C0"). Algorithms developed to predict the effect of sequence changes on RNA splicing suggest that this variant may create or strengthen a splice site. In summary, the available evidence is currently insufficient to determine the role of this variant in disease. Therefore, it has been classified as a Variant of Uncertain Significance.